The following is an entry in ClinVar:

ClinVar aggregate classification (germline): Benign/Likely benign. Review status: criteria provided, multiple submitters, no conflicts (2 of 4 stars). 2 submissions from 2 submitters: Benign (1); Likely benign (1). Last evaluated 2025-07-14.

Conditions:
Long QT syndrome (LQTS). Identifiers: MedGen C0023976, MeSH D008133, MONDO:0002442. Disease mechanism: loss of function. Inheritance: Various modes of inheritance.

Allele frequency attached by ClinVar (database versions not stated): ExAC 0.00003; gnomAD 0.00003; TOPMed 0.00004; gnomAD exomes 0.00007.
gnomAD v4.1: 36 of 1,612,918 alleles (0.0022%); highest among the groups gnomAD compares: Admixed American, 0.04%; no homozygotes.

Submissions (2):

Labcorp Genetics (formerly Invitae), Labcorp
Classification: Likely benign for Long QT syndrome. Last evaluated: 2025-07-14. Review status: criteria provided, single submitter. Criteria: Invitae Variant Classification Sherloc (09022015). Collection method: clinical testing. Allele origin: germline.

GeneDx
Classification: Benign. Last evaluated: 2014-09-03. Review status: criteria provided, single submitter. Criteria: GeneDx Variant Classification (06012015). Collection method: clinical testing. Allele origin: germline. Affected: yes.
Comment: This variant is considered likely benign or benign based on one or more of the following criteria: it is a conservative change, it occurs at a poorly conserved position in the protein, it is predicted to be benign by multiple in silico algorithms, and/or has population frequency not consistent with disease.

NM_003098.3(SNTA1):c.1238-11C>T

Gene: SNTA1 (syntrophin alpha 1; minus strand). Cytogenetic location: 20q11.21.
Variant type: single nucleotide variant.
Coding change: c.1238-11C>T on transcript NM_003098.3 (MANE Select); 11 bases into the intron before coding-DNA position 1238, C replaced by T.
Molecular consequence: intron variant.
Genome position (GRCh38, 1-based): chr20:33,408,899, G>A on the plus strand (C>T on the coding strand, the complement: SNTA1 is on the minus strand). VCF-style: chr20-33408899-G-A. GRCh37 (hg19) VCF-style: chr20-31996705-G-A.
Identifiers: ClinVar variation 190900 (VCV000190900.8), dbSNP rs779500941, ClinGen allele CA302235.
Genomic context (GRCh38, chr20:33,408,899, plus strand): 5'-CTTGTCGATGTGCACAGACAGGCTGCAGGGACGCCCATTCCACGTGCAGGCTGCAGGGAG[G>A]GCACATAGGTACAGGCACAGCTGGCACCTCAGAGACTACACCCCAACCTCCAACCCCCAC-3'